The following is an entry in ClinVar:

NM_001011658.4(TRAPPC2):c.391_392del (p.Gln131fs)

Gene: TRAPPC2 (trafficking protein particle complex subunit 2; minus strand). Cytogenetic location: Xp22.2.
Variant type: Deletion.
Coding change: c.391_392del on transcript NM_001011658.4 (MANE Select); coding-DNA positions 391 to 392, 2 bases deleted (CA; older notation c.391_392delCA).
Protein change: p.Gln131fs; shifts the reading frame from glutamine 131.
Molecular consequence: frameshift variant.
Genome position (GRCh38, 1-based): chrX:13,714,438-13,714,439, TG deleted on the plus strand (CA on the coding strand, the reverse complement: TRAPPC2 is on the minus strand). VCF-style (leftmost placement, unchanged base first): chrX-13714437-CTG-C. GRCh37 (hg19) VCF-style: chrX-13732556-CTG-C.
Other names: c.493_494del, p.Gln165fs (NM_001128835.3); c.391_392del, p.Gln131fs (NM_014563.6); short protein forms Q131fs, Q165fs.
Identifiers: ClinVar variation 3384073 (VCV003384073.1).

ClinVar aggregate classification (germline): Likely pathogenic (1 of 4 stars; one submission).

Conditions:
Spondyloepiphyseal dysplasia tarda (SEDT). Also called: SPONDYLOEPIPHYSEAL DYSPLASIA, LATE. Identifiers: Orphanet 93284, MedGen CN033239, MONDO:0019667.

Submission:

Dubai Health Genomic Medicine Center, Dubai Health
Classification: Likely pathogenic for Spondyloepiphyseal dysplasia tarda. Last evaluated: 2024-10-04. Review status: criteria provided, single submitter. Criteria: ACMG Guidelines, 2015. Collection method: research. Allele origin: germline. Affected: yes.
Comment: PVS1,PM2